The following is an entry in ClinVar:

NM_001130823.3(DNMT1):c.2875C>T (p.Pro959Ser)

Gene: DNMT1 (DNA methyltransferase 1; minus strand). Cytogenetic location: 19p13.2.
Variant type: single nucleotide variant.
Coding change: c.2875C>T on transcript NM_001130823.3 (MANE Select); coding-DNA position 2875, C replaced by T.
Protein change: p.Pro959Ser; replaces proline 959 with serine.
Molecular consequence: missense variant.
Genome position (GRCh38, 1-based): chr19:10,146,370, G>A on the plus strand (C>T on the coding strand, the complement: DNMT1 is on the minus strand). VCF-style: chr19-10146370-G-A. GRCh37 (hg19) VCF-style: chr19-10257046-G-A.
Other names: c.2827C>T, p.Pro943Ser (NM_001318730.2, NM_001379.4); c.2512C>T, p.Pro838Ser (NM_001318731.2); short protein forms P943S, P838S, P959S.
Identifiers: ClinVar variation 2118378 (VCV002118378.4), dbSNP rs1599355120, ClinGen allele CA403976125.

ClinVar aggregate classification (germline): Uncertain significance (1 of 4 stars; one submission).

Conditions:
Hereditary sensory neuropathy-deafness-dementia syndrome. Also called: HSN IE; Hereditary sensory neuropathy type IE; NEUROPATHY, HEREDITARY SENSORY, WITH HEARING LOSS AND DEMENTIA; Hereditary Sensory and Autonomic Neuropathy Type 1E (HSAN1E). Identifiers: Orphanet 456318, MedGen C3279885, MONDO:0013584, OMIM 614116.

gnomAD v4.1: 1 of 1,614,030 alleles (0.000062%); highest among the groups gnomAD compares: Non-Finnish European, 0.000085%; no homozygotes.

Submission:

Labcorp Genetics (formerly Invitae), Labcorp
Classification: Uncertain significance for Hereditary sensory neuropathy-deafness-dementia syndrome. Last evaluated: 2022-08-09. Review status: criteria provided, single submitter. Criteria: Invitae Variant Classification Sherloc (09022015). Collection method: clinical testing. Allele origin: germline.
Comment: In summary, the available evidence is currently insufficient to determine the role of this variant in disease. Therefore, it has been classified as a Variant of Uncertain Significance. This sequence change replaces proline, which is neutral and non-polar, with serine, which is neutral and polar, at codon 959 of the DNMT1 protein (p.Pro959Ser). This variant is not present in population databases (gnomAD no frequency). This variant has not been reported in the literature in individuals affected with DNMT1-related conditions. Algorithms developed to predict the effect of missense changes on protein structure and function are either unavailable or do not agree on the potential impact of this missense change (SIFT: "Deleterious"; PolyPhen-2: "Probably Damaging"; Align-GVGD: "Class C0").